The following is an entry in ClinVar:

NM_006031.6(PCNT):c.7203C>T (p.Asp2401=)

Gene: PCNT (pericentrin; plus strand). Cytogenetic location: 21q22.3.
Variant type: single nucleotide variant.
Coding change: c.7203C>T on transcript NM_006031.6 (MANE Select); coding-DNA position 7203, C replaced by T.
Protein change: p.Asp2401=; no amino-acid change (aspartic acid 2401 retained).
Molecular consequence: synonymous variant.
Genome position (GRCh38, 1-based): chr21:46,425,854, C>T. VCF-style: chr21-46425854-C-T. GRCh37 (hg19) VCF-style: chr21-47845768-C-T.
Other names: c.7203C>T (NM_006031.5); c.6849C>T, p.Asp2283= (NM_001315529.2).
Identifiers: ClinVar variation 3012336 (VCV003012336.4), dbSNP rs750350872, ClinGen allele CA10080572.

ClinVar aggregate classification (germline): Likely benign. Review status: criteria provided, multiple submitters, no conflicts (2 of 4 stars). 2 submissions from 2 submitters: Likely benign (2). Last evaluated 2025-09-22.

Conditions:
PCNT-related disorder. Also called: PCNT-related condition.

Allele frequency attached by ClinVar (database versions not stated): gnomAD 0.00002; TOPMed 0.00003.
gnomAD v4.1: 15 of 1,613,572 alleles (0.00093%); highest among the groups gnomAD compares: Middle Eastern, 0.016%; no homozygotes.

Submissions (2):

Labcorp Genetics (formerly Invitae), Labcorp
Classification: Likely benign. Last evaluated: 2025-09-22. Review status: criteria provided, single submitter. Criteria: Invitae Variant Classification Sherloc (09022015). Collection method: clinical testing. Allele origin: germline.

PreventionGenetics, part of Exact Sciences
Classification: Likely benign for PCNT-related condition. Last evaluated: 2025-06-17. Review status: criteria provided, single submitter. Criteria: ACMG Guidelines, 2015. Collection method: clinical testing. Allele origin: germline.
Comment: This variant is classified as likely benign based on ACMG/AMP sequence variant interpretation guidelines (Richards et al. 2015 PMID: 25741868, with internal and published modifications).